The following is an entry in ClinVar:

NM_000540.3(RYR1):c.14523C>T (p.Thr4841=)

Gene: RYR1 (ryanodine receptor 1; plus strand). Cytogenetic location: 19q13.2.
Variant type: single nucleotide variant.
Coding change: c.14523C>T on transcript NM_000540.3 (MANE Select); coding-DNA position 14523, C replaced by T.
Protein change: p.Thr4841=; no amino-acid change (threonine 4841 retained).
Molecular consequence: synonymous variant.
Genome position (GRCh38, 1-based): chr19:38,580,381, C>T. VCF-style: chr19-38580381-C-T. GRCh37 (hg19) VCF-style: chr19-39071021-C-T.
Other names: c.14508C>T, p.Thr4836= (NM_001042723.2).
Identifiers: ClinVar variation 389441 (VCV000389441.23), dbSNP rs552223275, ClinGen allele CA061377.

ClinVar aggregate classification (germline): Likely benign. Review status: criteria provided, multiple submitters, no conflicts (2 of 4 stars). 7 submissions from 7 submitters: Likely benign (6). 1 of the submissions does not count toward it. Last evaluated 2026-01-28.

Conditions:
RYR1-related disorder. Also called: RYR1-related condition; RYR1-related disorders. Identifiers: MedGen CN239331.
Malignant hyperthermia, susceptibility to, 1 (MHS1). Also called: Malignant hyperthermia suceptibility 1; Anesthesia related hyperthermia; Malignant hyperpyrexia; Fulminating hyperpyrexia; Pharmacogenic myopathy; RYR1-Related Malignant Hyperthermia Susceptibility. Identifiers: Orphanet 423, MedGen C2930980, MONDO:0007783, OMIM 145600.

Allele frequency attached by ClinVar (database versions not stated): ExAC 0.00009; gnomAD exomes 0.00009 and 0.00003; TOPMed 0.00029; gnomAD 0.00031 and 0.00033; 1000 Genomes Project 30x 0.00078; 1000 Genomes Project 0.00080.
gnomAD v4.1: 96 of 1,614,074 alleles (0.0059%); highest among the groups gnomAD compares: African/African-American, 0.06%; no homozygotes.

Submissions (7):

Labcorp Genetics (formerly Invitae), Labcorp
Classification: Likely benign for RYR1-related disorder. Last evaluated: 2026-01-28. Review status: criteria provided, single submitter. Criteria: Invitae Variant Classification Sherloc (09022015). Collection method: clinical testing. Allele origin: germline.

CeGaT Center for Human Genetics Tuebingen
Classification: Likely benign. Last evaluated: 2025-09-01. Review status: criteria provided, single submitter. Criteria: CeGaT Center For Human Genetics Tuebingen Variant Classification Criteria Version 2. Collection method: clinical testing. Allele origin: germline. Affected: yes. Observed: 1 variant allele.
Comment: RYR1: BP4, BP7

Blueprint Genetics
Classification: Likely benign. Last evaluated: 2024-05-28. Review status: criteria provided, single submitter. Criteria: ACMG Guidelines, 2015. Collection method: clinical testing. Allele origin: germline.

All of Us Research Program, National Institutes of Health
Classification: Likely benign for Malignant hyperthermia, susceptibility to, 1. Last evaluated: 2023-12-13. Review status: criteria provided, single submitter. Criteria: ACMG Guidelines, 2015. Collection method: clinical testing. Allele origin: germline. Inheritance: Autosomal dominant inheritance. Observed: 10 variant alleles, 10 heterozygotes.
Comment: This study involves interpretation of variants in research participants for the purpose of population health screening. Participant phenotype was not available at the time of variant classification. Additional details can be found in publication PMID: 35346344, PMCID: PMC8962531

Color Diagnostics, LLC DBA Color Health
Classification: Likely benign for Malignant hyperthermia, susceptibility to, 1. Last evaluated: 2022-11-06. Review status: criteria provided, single submitter. Criteria: ACMG Guidelines, 2015. Collection method: clinical testing. Allele origin: germline.

GeneDx
Classification: Likely benign. Last evaluated: 2016-09-30. Review status: criteria provided, single submitter. Criteria: GeneDx Variant Classification (06012015). Collection method: clinical testing. Allele origin: germline. Affected: yes.
Comment: This variant is considered likely benign or benign based on one or more of the following criteria: it is a conservative change, it occurs at a poorly conserved position in the protein, it is predicted to be benign by multiple in silico algorithms, and/or has population frequency not consistent with disease.

PreventionGenetics, part of Exact Sciences
Classification: Likely benign for RYR1-related condition. Last evaluated: 2019-09-05. Review status: no assertion criteria provided. Collection method: clinical testing. Allele origin: germline. Not counted in ClinVar's aggregate classification.
Comment: This variant is classified as likely benign based on ACMG/AMP sequence variant interpretation guidelines (Richards et al. 2015 PMID: 25741868, with internal and published modifications).